The following is an entry in ClinVar:

ClinVar aggregate classification (germline): Uncertain significance (1 of 4 stars; one submission).

gnomAD v4.1: 1 of 1,613,924 alleles (0.000062%); highest among the groups gnomAD compares: Middle Eastern, 0.016%; no homozygotes.

Submission:

Labcorp Genetics (formerly Invitae), Labcorp
Classification: Uncertain significance. Last evaluated: 2024-08-19. Review status: criteria provided, single submitter. Criteria: Invitae Variant Classification Sherloc (09022015). Collection method: clinical testing. Allele origin: germline.
Comment: This sequence change replaces phenylalanine, which is neutral and non-polar, with leucine, which is neutral and non-polar, at codon 560 of the COL7A1 protein (p.Phe560Leu). This variant is present in population databases (rs780823886, gnomAD 0.0009%). This variant has not been reported in the literature in individuals affected with COL7A1-related conditions. Invitae Evidence Modeling of protein sequence and biophysical properties (such as structural, functional, and spatial information, amino acid conservation, physicochemical variation, residue mobility, and thermodynamic stability) indicates that this missense variant is not expected to disrupt COL7A1 protein function with a negative predictive value of 95%. In summary, the available evidence is currently insufficient to determine the role of this variant in disease. Therefore, it has been classified as a Variant of Uncertain Significance.

NM_000094.4(COL7A1):c.1680C>A (p.Phe560Leu)

Gene: COL7A1 (collagen type VII alpha 1 chain; minus strand). Cytogenetic location: 3p21.31.
Variant type: single nucleotide variant.
Coding change: c.1680C>A on transcript NM_000094.4 (MANE Select); coding-DNA position 1680, C replaced by A.
Protein change: p.Phe560Leu; replaces phenylalanine 560 with leucine.
Molecular consequence: missense variant.
Genome position (GRCh38, 1-based): chr3:48,590,773, G>T on the plus strand (C>A on the coding strand, the complement: COL7A1 is on the minus strand). VCF-style: chr3-48590773-G-T. GRCh37 (hg19) VCF-style: chr3-48628206-G-T.
Other names: short protein forms F560L.
Identifiers: ClinVar variation 3698845 (VCV003698845.2).